The following is an entry in ClinVar:

ClinVar aggregate classification (germline): Benign. Review status: criteria provided, multiple submitters, no conflicts (2 of 4 stars). 8 submissions from 8 submitters: Benign (7). 1 of the submissions does not count toward it. Last evaluated 2026-07-01.

Conditions:
Bartter syndrome. Identifiers: Orphanet 112, MedGen C0004775, MONDO:0015231.
Bartter disease type 4A. Also called: BARTTER SYNDROME, TYPE 4A, NEONATAL, WITH SENSORINEURAL DEAFNESS; BARTTER SYNDROME, NEONATAL, WITH SENSORINEURAL DEAFNESS. Identifiers: Orphanet 112, MedGen C1865270, MONDO:0011242, OMIM 602522.

Allele frequency attached by ClinVar (database versions not stated): gnomAD 0.00079 and 0.00119; TOPMed 0.00108; ESP Exome Variant Server 0.00108; 1000 Genomes Project 0.00280; gnomAD exomes 0.00247 and 0.00155; ExAC 0.00263; 1000 Genomes Project 30x 0.00281.

Submissions (8):

CeGaT Center for Human Genetics Tuebingen
Classification: Benign. Last evaluated: 2026-07-01. Review status: criteria provided, single submitter. Criteria: CeGaT Center For Human Genetics Tuebingen Variant Classification Criteria Version 2. Collection method: clinical testing. Allele origin: germline. Affected: yes. Observed: 3 variant alleles.
Comment: BSND: BP4, BP7, BS1, BS2

Labcorp Genetics (formerly Invitae), Labcorp
Classification: Benign. Last evaluated: 2026-01-28. Review status: criteria provided, single submitter. Criteria: Invitae Variant Classification Sherloc (09022015). Collection method: clinical testing. Allele origin: germline.

GeneDx
Classification: Benign. Last evaluated: 2018-07-09. Review status: criteria provided, single submitter. Criteria: GeneDx Variant Classification Process June 2021. Collection method: clinical testing. Allele origin: germline. Affected: yes.

Illumina Laboratory Services, Illumina
Classification: Benign for Bartter disease type 4A. Last evaluated: 2018-01-12. Review status: criteria provided, single submitter. Criteria: ICSL Variant Classification Criteria 13 December 2019. Collection method: clinical testing. Allele origin: germline.
Comment: This variant was observed in the ICSL laboratory as part of a predisposition screen in an ostensibly healthy population. It had not been previously curated by ICSL or reported in the Human Gene Mutation Database (HGMD: prior to June 1st, 2018), and was therefore a candidate for classification through an automated scoring system. Utilizing variant allele frequency, disease prevalence and penetrance estimates, and inheritance mode, an automated score was calculated to assess if this variant is too frequent to cause the disease. Based on the score and internal cut-off values, a variant classified as benign is not then subjected to further curation. The score for this variant resulted in a classification of benign for this disease.

Laboratory for Molecular Medicine, Mass General Brigham Personalized Medicine
Classification: Benign. Last evaluated: 2013-06-02. Review status: criteria provided, single submitter. Criteria: LMM Criteria. Collection method: clinical testing. Allele origin: germline. Observed: 11 variant alleles.
Comment: The Leu21Leu variant in BSND: This variant is not expected to have clinical sign ificance because it does not alter an amino acid residue, is not located within the splice consensus sequence, and has been identified in 2% (4/196) of Tuscan c hromosomes by the 1000 Genome Project as well as in 0.1% (10/8600) of European A merican chromosomes and 0.1% (4/4406) of African American chromosomes by the NHL BI Exome Sequencing Project (dbSNP rs14161148 6).

Breakthrough Genomics
Classification: Benign. Review status: criteria provided, single submitter. Criteria: ACMG Guidelines, 2015. Collection method: not provided. Allele origin: germline. Inheritance: Autosomal recessive inheritance. Affected: yes.

PreventionGenetics, part of Exact Sciences
Classification: Benign. Review status: criteria provided, single submitter. Criteria: ACMG Guidelines, 2015. Collection method: clinical testing. Allele origin: germline.

Natera, Inc.
Classification: Likely benign for Bartter syndrome. Last evaluated: 2019-10-23. Review status: no assertion criteria provided. Collection method: clinical testing. Allele origin: germline. Not counted in ClinVar's aggregate classification.

NM_057176.3(BSND):c.63C>T (p.Leu21=)

Gene: BSND (barttin CLCNK type accessory subunit beta; plus strand). Cytogenetic location: 1p32.3.
Variant type: single nucleotide variant.
Coding change: c.63C>T on transcript NM_057176.3 (MANE Select); coding-DNA position 63, C replaced by T.
Protein change: p.Leu21=; no amino-acid change (leucine 21 retained).
Molecular consequence: synonymous variant.
Genome position (GRCh38, 1-based): chr1:54,999,249, C>T. VCF-style: chr1-54999249-C-T. GRCh37 (hg19) VCF-style: chr1-55464922-C-T.
Identifiers: ClinVar variation 46550 (VCV000046550.42), dbSNP rs141611486, ClinGen allele CA138604.